The following is an entry in ClinVar:

NM_000038.6(APC):c.5225G>A (p.Arg1742His)

Gene: APC (APC regulator of Wnt signaling pathway; plus strand). Cytogenetic location: 5q22.2.
Variant type: single nucleotide variant.
Coding change: c.5225G>A on transcript NM_000038.6 (MANE Select); coding-DNA position 5225, G replaced by A.
Protein change: p.Arg1742His; replaces arginine 1742 with histidine.
Molecular consequence: missense variant.
Genome position (GRCh38, 1-based): chr5:112,840,819, G>A. VCF-style: chr5-112840819-G-A. GRCh37 (hg19) VCF-style: chr5-112176516-G-A.
Other names: c.5225G>A (LRG_130t1); c.5225G>A, p.Arg1742His (NM_001127510.3, NM_001354895.2); c.5171G>A, p.Arg1724His (NM_001127511.3); c.5279G>A, p.Arg1760His (NM_001354896.2); c.5255G>A, p.Arg1752His (NM_001354897.2); c.5150G>A, p.Arg1717His (NM_001354898.2); c.5141G>A, p.Arg1714His (NM_001354899.2); c.5102G>A, p.Arg1701His (NM_001354900.2); and 6 more; short protein forms R1742H, R1724H, R1641H, R1683H, R1701H, R1752H, R1760H, R1459H.
Identifiers: ClinVar variation 41508 (VCV000041508.40), dbSNP rs199775075, ClinGen allele CA009940.

ClinVar aggregate classification (germline): Conflicting classifications of pathogenicity. Review status: criteria provided, conflicting classifications (1 of 4 stars). 12 submissions from 12 submitters: Uncertain significance (6); Likely benign (4). 2 of the submissions do not count toward it. Last evaluated 2026-02-03.

Conditions:
APC-Associated Polyposis Disorders.
Classic or attenuated familial adenomatous polyposis. Identifiers: MedGen CN372698, MONDO:0021057.
Hereditary cancer-predisposing syndrome. Also called: Tumor predisposition; Neoplastic Syndromes, Hereditary; Hereditary Cancer Syndrome; Hereditary neoplastic syndrome. Identifiers: Orphanet 140162, MedGen C0027672, MeSH D009386, MONDO:0015356.
Familial adenomatous polyposis 1 (FAP1). Also called: FAMILIAL ADENOMATOUS POLYPOSIS 1, ATTENUATED; POLYPOSIS, ADENOMATOUS INTESTINAL. Identifiers: MedGen C2713442, MONDO:0021056, OMIM 175100. Disease mechanism: loss of function.

Allele frequency attached by ClinVar (database versions not stated): ExAC 0.00002; gnomAD 0.00002 and 0.00003; gnomAD exomes 0.00004; TOPMed 0.00004.
gnomAD v4.1: 60 of 1,614,076 alleles (0.0037%); highest among the groups gnomAD compares: Middle Eastern, 0.016%; no homozygotes.

Submissions (12):

Labcorp Genetics (formerly Invitae), Labcorp
Classification: Uncertain significance for Familial adenomatous polyposis 1. Last evaluated: 2026-02-03. Review status: criteria provided, single submitter. Criteria: Invitae Variant Classification Sherloc (09022015). Collection method: clinical testing. Allele origin: germline.
Comment: This sequence change replaces arginine, which is basic and polar, with histidine, which is basic and polar, at codon 1742 of the APC protein (p.Arg1742His). This variant is present in population databases (rs199775075, gnomAD 0.01%). This variant has not been reported in the literature in individuals affected with APC-related conditions. ClinVar contains an entry for this variant (Variation ID: 41508). Invitae Evidence Modeling of protein sequence and biophysical properties (such as structural, functional, and spatial information, amino acid conservation, physicochemical variation, residue mobility, and thermodynamic stability) indicates that this missense variant is not expected to disrupt APC protein function with a negative predictive value of 95%. In summary, the available evidence is currently insufficient to determine the role of this variant in disease. Therefore, it has been classified as a Variant of Uncertain Significance.

CeGaT Center for Human Genetics Tuebingen
Classification: Uncertain significance. Last evaluated: 2025-11-01. Review status: criteria provided, single submitter. Criteria: CeGaT Center For Human Genetics Tuebingen Variant Classification Criteria Version 2. Collection method: clinical testing. Allele origin: germline. Affected: yes. Observed: 1 variant allele.
Comment: APC: PM2, BP1

Quest Diagnostics Nichols Institute San Juan Capistrano
Classification: Uncertain significance. Last evaluated: 2025-09-04. Review status: criteria provided, single submitter. Criteria: Quest Diagnostics criteria. Collection method: clinical testing. Allele origin: unknown.
Comment: The APC c.5225G>A (p.Arg1742His) variant has been reported in the published literature in individuals with pancreatic cancer (PMID: 32980694 (2020)), colorectal cancer (PMID: 39130150 (2023)), breast cancer (PMID: 33558524 (2021)), and reportedly unaffected individuals (PMID: 22703879 (2012), 32980694 (2020), 36243179 (2022)). This variant has also been observed as a somatic variant in an individuals with bladder adenocarcinoma (PMID: 32547059 (2020)). The frequency of this variant in the general population (Genome Aggregation Database) is higher than would generally be expected for pathogenic variants in this gene. Analysis of this variant using bioinformatics tools for the prediction of the effect of amino acid changes on protein structure and function yielded predictions that this variant is damaging. Based on the available information, we are unable to determine the clinical significance of this variant.

Color Diagnostics, LLC DBA Color Health
Classification: Likely benign for Hereditary cancer-predisposing syndrome. Last evaluated: 2025-01-28. Review status: criteria provided, single submitter. Criteria: ACMG Guidelines, 2015. Collection method: clinical testing. Allele origin: germline.

Baylor Genetics
Classification: Uncertain significance for Familial adenomatous polyposis 1. Last evaluated: 2024-03-22. Review status: criteria provided, single submitter. Criteria: ACMG Guidelines, 2015. Collection method: clinical testing. Allele origin: unknown.

All of Us Research Program, National Institutes of Health
Classification: Uncertain significance for Classic or attenuated familial adenomatous polyposis. Last evaluated: 2023-12-13. Review status: criteria provided, single submitter. Criteria: ACMG Guidelines, 2015. Collection method: clinical testing. Allele origin: germline. Inheritance: Autosomal dominant inheritance. Observed: 7 variant alleles, 7 heterozygotes.
Comment: This missense variant replaces arginine with histidine at codon 1742 of the APC protein. Computational prediction suggests that this variant may not impact protein structure and function (internally defined REVEL score threshold <= 0.5, PMID: 27666373). Splice site prediction tools suggest that this variant may not impact RNA splicing. To our knowledge, functional studies have not been performed for this variant. This variant has not been reported in individuals affected with hereditary cancer in the literature. This variant has been identified in 10/250600 chromosomes in the general population by the Genome Aggregation Database (gnomAD). The available evidence is insufficient to determine the role of this variant in disease conclusively. Therefore, this variant is classified as a Variant of Uncertain Significance.

This study involves interpretation of variants in research participants for the purpose of population health screening. Participant phenotype was not available at the time of variant classification. Additional details can be found in publication PMID: 35346344, PMCID: PMC8962531

Ambry Genetics
Classification: Likely benign for Hereditary cancer-predisposing syndrome. Last evaluated: 2022-09-07. Review status: criteria provided, single submitter. Criteria: Ambry Variant Classification Scheme 2023. Collection method: clinical testing. Allele origin: germline.

GeneDx
Classification: Likely benign. Last evaluated: 2020-03-02. Review status: criteria provided, single submitter. Criteria: GeneDx Variant Classification Process June 2021. Collection method: clinical testing. Allele origin: germline. Affected: yes.
Comment: In silico analysis, which includes protein predictors and evolutionary conservation, supports that this variant does not alter protein structure/function; This variant is associated with the following publications: (PMID: 22703879)

Mendelics
Classification: Uncertain significance for Familial adenomatous polyposis 1. Last evaluated: 2019-05-28. Review status: criteria provided, single submitter. Criteria: Mendelics Assertion Criteria 2017. Collection method: clinical testing. Allele origin: unknown.

Illumina Laboratory Services, Illumina
Classification: Likely benign for APC-Associated Polyposis Disorders. Last evaluated: 2018-01-13. Review status: criteria provided, single submitter. Criteria: ICSL Variant Classification Criteria 13 December 2019. Collection method: clinical testing. Allele origin: germline.
Comment: This variant was observed in the ICSL laboratory as part of a predisposition screen in an ostensibly healthy population. It had not been previously curated by ICSL or reported in the Human Gene Mutation Database (HGMD: prior to June 1st, 2018), and was therefore a candidate for classification through an automated scoring system. Utilizing variant allele frequency, disease prevalence and penetrance estimates, and inheritance mode, an automated score was calculated to assess if this variant is too frequent to cause the disease. Based on the score and internal cut-off values, a variant classified as likely benign is not then subjected to further curation. The score for this variant resulted in a classification of likely benign for this disease.

Biesecker Lab/Clinical Genomics Section, National Institutes of Health
Classification: Uncertain significance. Last evaluated: 2012-07-13. Review status: no assertion criteria provided. Collection method: research. Allele origin: germline. Affected: no. Observed: 1 variant allele. Study: ClinSeq. Not counted in ClinVar's aggregate classification.
ClinVar note: Converted during submission from variant of unknown significance to Uncertain significance.

Department of Pathology and Laboratory Medicine, Sinai Health System
Classification: Uncertain significance. Review status: no assertion criteria provided. Collection method: clinical testing. Allele origin: unknown. Affected: yes. Study: The Canadian Open Genetics Repository (COGR). Not counted in ClinVar's aggregate classification.
Comment: The APC p.Arg1742His variant was identified in the literature in 1 of 1144 chromosomes (frequency 0.001) in a cohort of participants with atherosclerosis phenotypes but no personal or family history of cancer, in an exome sequencing study looking at secondary variants that cause high penetrance cancer syndromes (Johnston 2012). The variant was also identified in dbSNP (ID: rs199775075) â€šÃ„ÃºWith Uncertain significanceâ€šÃ„Ã¹ allele, ClinVar (classified as uncertain significance by Ambry Genetics, Invitae and Biesecker Lab (NIH)), Clinvitae (3X as uncertain significance) and in control databases in 9 of 245344 chromosomes at a frequency of 0.00004 increasing the likelihood that this may be a low frequency benign variant in certain populations of origin (Genome Aggregation Consortium Feb 27, 2017). The variant was not identified in the Cosmic, MutDB, UMD-LSDB, Insight Colon Cancer Gene Variant Database, and Zhejiang Colon Cancer Database. The p.Arg1742His residue is conserved in mammals and computational analyses (PolyPhen-2, SIFT, AlignGVGD, BLOSUM, MutationTaster) provide inconsistent predictions regarding the impact to the protein; this information is not very predictive of pathogenicity. The variant occurs outside of the splicing consensus sequence and 1 of 5 in silico or computational prediction software programs (SpliceSiteFinder, MaxEntScan, NNSPLICE, GeneSplicer, HumanSpliceFinder) predict a greater than 10% difference in splicing; this is not very predictive of pathogenicity. In summary, based on the above information the clinical significance of this variant cannot be determined with certainty at this time. This variant is classified as a variant of uncertain significance.

Literature cited by the submitters: PubMed 39130150 (cited by Quest Diagnostics Nichols Institute San Juan Capistrano); PubMed 33558524 (cited by Quest Diagnostics Nichols Institute San Juan Capistrano); PubMed 32547059 (cited by Quest Diagnostics Nichols Institute San Juan Capistrano); PubMed 32980694 (cited by Quest Diagnostics Nichols Institute San Juan Capistrano); PubMed 36243179 (cited by Quest Diagnostics Nichols Institute San Juan Capistrano); PubMed 27600092 (cited by Ambry Genetics).